The following is an entry in ClinVar:

ClinVar aggregate classification (germline): Uncertain significance. Review status: criteria provided, multiple submitters, no conflicts (2 of 4 stars). 2 submissions from 2 submitters: Uncertain significance (2). Last evaluated 2024-07-09.

Conditions:
Inborn genetic diseases. Identifiers: MedGen C0950123, MeSH D030342.

Allele frequency attached by ClinVar (database versions not stated): gnomAD 0.00001; gnomAD exomes 0.00002; TOPMed 0.00003; ExAC 0.00005.
gnomAD v4.1: 13 of 1,613,166 alleles (0.00081%); highest among the groups gnomAD compares: Admixed American, 0.022%; no homozygotes.

Submissions (2):

Ambry Genetics
Classification: Uncertain significance for Inborn genetic diseases. Last evaluated: 2024-07-09. Review status: criteria provided, single submitter. Criteria: Ambry Variant Classification Scheme 2023. Collection method: clinical testing. Allele origin: germline.

Labcorp Genetics (formerly Invitae), Labcorp
Classification: Uncertain significance. Last evaluated: 2022-08-21. Review status: criteria provided, single submitter. Criteria: Invitae Variant Classification Sherloc (09022015). Collection method: clinical testing. Allele origin: germline.
Comment: This sequence change replaces threonine, which is neutral and polar, with isoleucine, which is neutral and non-polar, at codon 1689 of the FRAS1 protein (p.Thr1689Ile). This variant is present in population databases (rs754385174, gnomAD 0.03%). This variant has not been reported in the literature in individuals affected with FRAS1-related conditions. Algorithms developed to predict the effect of missense changes on protein structure and function are either unavailable or do not agree on the potential impact of this missense change (SIFT: "Deleterious"; PolyPhen-2: "Benign"; Align-GVGD: "Class C15"). In summary, the available evidence is currently insufficient to determine the role of this variant in disease. Therefore, it has been classified as a Variant of Uncertain Significance.

NM_025074.7(FRAS1):c.5066C>T (p.Thr1689Ile)

Gene: FRAS1 (Fraser extracellular matrix complex subunit 1; plus strand). Cytogenetic location: 4q21.21.
Variant type: single nucleotide variant.
Coding change: c.5066C>T on transcript NM_025074.7 (MANE Select); coding-DNA position 5066, C replaced by T.
Protein change: p.Thr1689Ile; replaces threonine 1689 with isoleucine.
Molecular consequence: missense variant.
Genome position (GRCh38, 1-based): chr4:78,432,453, C>T. VCF-style: chr4-78432453-C-T. GRCh37 (hg19) VCF-style: chr4-79353607-C-T.
Other names: c.5066C>T, p.Thr1689Ile (NM_001166133.2); c.5066C>T (NM_025074.6); short protein forms T1689I.
Identifiers: ClinVar variation 2078764 (VCV002078764.2), dbSNP rs754385174, ClinGen allele CA2977415.